The following is an entry in ClinVar:

NM_000245.4(MET):c.2873G>C (p.Arg958Thr)

Gene: MET (MET proto-oncogene, receptor tyrosine kinase; plus strand). Cytogenetic location: 7q31.2.
Variant type: single nucleotide variant.
Coding change: c.2873G>C on transcript NM_000245.4 (MANE Select); coding-DNA position 2873, G replaced by C.
Protein change: p.Arg958Thr; replaces arginine 958 with threonine.
Molecular consequence: missense variant.
Genome position (GRCh38, 1-based): chr7:116,771,640, G>C. VCF-style: chr7-116771640-G-C. GRCh37 (hg19) VCF-style: chr7-116411694-G-C.
Other names: c.2927G>C, p.Arg976Thr (NM_001127500.3); c.1583G>C, p.Arg528Thr (NM_001324402.2); short protein forms R958T, R528T, R976T.
Identifiers: ClinVar variation 4053947 (VCV004053947.1).

ClinVar aggregate classification (germline): Uncertain significance (1 of 4 stars; one submission).

Conditions:
Hereditary cancer-predisposing syndrome. Also called: Neoplastic Syndromes, Hereditary; Tumor predisposition; Hereditary neoplastic syndrome; Hereditary Cancer Syndrome. Identifiers: Orphanet 140162, MedGen C0027672, MeSH D009386, MONDO:0015356.

Submission:

Ambry Genetics
Classification: Uncertain significance for Hereditary cancer-predisposing syndrome. Last evaluated: 2025-04-11. Review status: criteria provided, single submitter. Criteria: Ambry Variant Classification Scheme 2023. Collection method: clinical testing. Allele origin: germline.
Comment: The p.R976T variant (also known as c.2927G>C), located in coding exon 12 of the MET gene, results from a G to C substitution at nucleotide position 2927. The arginine at codon 976 is replaced by threonine, an amino acid with similar properties. This amino acid position is conserved. In addition, this alteration is predicted to be tolerated by in silico analysis. Based on the available evidence, the clinical significance of this variant remains unclear.